The following is an entry in ClinVar:

ClinVar aggregate classification (germline): Uncertain significance (1 of 4 stars; one submission).

Conditions:
Leber congenital amaurosis 7 (LCA7). Identifiers: Orphanet 65, MedGen C3151192, MONDO:0013449, OMIM 613829.
Cone-rod dystrophy 2 (CORD2). Also called: CONE-ROD RETINAL DYSTROPHY; Cone-rod retinal dystrophy 2. Identifiers: Orphanet 1872, MedGen C3489532, MONDO:0007362, OMIM 120970.

Submission:

Labcorp Genetics (formerly Invitae), Labcorp
Classification: Uncertain significance for Cone-rod dystrophy 2; Leber congenital amaurosis 7. Last evaluated: 2021-07-26. Review status: criteria provided, single submitter. Criteria: Invitae Variant Classification Sherloc (09022015). Collection method: clinical testing. Allele origin: germline.
Comment: Algorithms developed to predict the effect of missense changes on protein structure and function are either unavailable or do not agree on the potential impact of this missense change (SIFT: "Deleterious"; PolyPhen-2: "Benign"; Align-GVGD: "Class C0"). In summary, the available evidence is currently insufficient to determine the role of this variant in disease. Therefore, it has been classified as a Variant of Uncertain Significance. This variant has not been reported in the literature in individuals affected with CRX-related conditions. This variant is not present in population databases (ExAC no frequency). This sequence change replaces proline with arginine at codon 135 of the CRX protein (p.Pro135Arg). The proline residue is highly conserved and there is a moderate physicochemical difference between proline and arginine.

NM_000554.6(CRX):c.404C>G (p.Pro135Arg)

Gene: CRX (cone-rod homeobox; plus strand). Cytogenetic location: 19q13.33.
Variant type: single nucleotide variant.
Coding change: c.404C>G on transcript NM_000554.6 (MANE Select); coding-DNA position 404, C replaced by G.
Protein change: p.Pro135Arg; replaces proline 135 with arginine.
Molecular consequence: missense variant.
Genome position (GRCh38, 1-based): chr19:47,839,471, C>G. VCF-style: chr19-47839471-C-G. GRCh37 (hg19) VCF-style: chr19-48342728-C-G.
Other names: short protein forms P135R.
Identifiers: ClinVar variation 1521633 (VCV001521633.8), dbSNP rs2123743010, ClinGen allele CA406630577.
Genomic context (GRCh38, chr19:47,839,471, plus strand): 5'-GGCCTGCCAAGAGGAAGGCGGGCACGTCCCCAAGACCCTCCACAGATGTGTGTCCAGACC[C>G]TCTGGGCATCTCAGATTCCTACAGTCCCCCTCTGCCCGGCCCCTCAGGCTCCCCAACCAC-3'
Protein context (NP_000545.1, residues 125-145): PRPSTDVCPD[Pro135Arg]LGISDSYSPP